The following is an entry in ClinVar:

ClinVar aggregate classification (germline): Uncertain significance (1 of 4 stars; one submission).

Allele frequency attached by ClinVar (database versions not stated): gnomAD exomes below 0.00001.
gnomAD v4.1: 2 of 1,592,690 alleles (0.00013%); highest among the groups gnomAD compares: Non-Finnish European, 0.00017%; no homozygotes.

Submission:

Labcorp Genetics (formerly Invitae), Labcorp
Classification: Uncertain significance. Last evaluated: 2024-02-26. Review status: criteria provided, single submitter. Criteria: Invitae Variant Classification Sherloc (09022015). Collection method: clinical testing. Allele origin: germline.
Comment: This sequence change replaces glycine, which is neutral and non-polar, with serine, which is neutral and polar, at codon 410 of the TCF3 protein (p.Gly410Ser). This variant is not present in population databases (gnomAD no frequency). This variant has not been reported in the literature in individuals affected with TCF3-related conditions. ClinVar contains an entry for this variant (Variation ID: 1719714). Advanced modeling of protein sequence and biophysical properties (such as structural, functional, and spatial information, amino acid conservation, physicochemical variation, residue mobility, and thermodynamic stability) performed at Invitae indicates that this missense variant is not expected to disrupt TCF3 protein function with a negative predictive value of 80%. In summary, the available evidence is currently insufficient to determine the role of this variant in disease. Therefore, it has been classified as a Variant of Uncertain Significance.

NM_003200.5(TCF3):c.1228G>A (p.Gly410Ser)

Gene: TCF3 (transcription factor 3; minus strand). Cytogenetic location: 19p13.3.
Variant type: single nucleotide variant.
Coding change: c.1228G>A on transcript NM_003200.5 (MANE Select); coding-DNA position 1228, G replaced by A.
Protein change: p.Gly410Ser; replaces glycine 410 with serine.
Molecular consequence: missense variant.
Genome position (GRCh38, 1-based): chr19:1,619,414, C>T on the plus strand (G>A on the coding strand, the complement: TCF3 is on the minus strand). VCF-style: chr19-1619414-C-T. GRCh37 (hg19) VCF-style: chr19-1619413-C-T.
Other names: c.1228G>A, p.Gly410Ser (NM_001136139.4, NM_001351779.2); c.1225G>A, p.Gly409Ser (NM_001351778.2); short protein forms G409S, G410S.
Identifiers: ClinVar variation 1719714 (VCV001719714.5), dbSNP rs1044824573, ClinGen allele CA403053285.